The following is an entry in ClinVar:

NM_001127671.2(LIFR):c.1672-2A>G

Gene: LIFR (LIF receptor subunit alpha; minus strand). Cytogenetic location: 5p13.1.
Variant type: single nucleotide variant.
Coding change: c.1672-2A>G on transcript NM_001127671.2 (MANE Select); the canonical splice acceptor site of the intron before coding-DNA position 1672, A replaced by G.
Molecular consequence: splice acceptor variant.
Genome position (GRCh38, 1-based): chr5:38,496,597, T>C on the plus strand (A>G on the coding strand, the complement: LIFR is on the minus strand). VCF-style: chr5-38496597-T-C. GRCh37 (hg19) VCF-style: chr5-38496699-T-C.
Other names: c.1672-2A>G (NM_002310.6, NM_001364298.2, NM_001364297.2).
Identifiers: ClinVar variation 2078355 (VCV002078355.4), dbSNP rs2531002141, ClinGen allele CA359540474.
Genomic context (GRCh38, chr5:38,496,597, plus strand): 5'-GATGAACACGATACATTGTAGGAAAGTATTTTTCCATTAGCTTCATTAATGGGTAAAGGC[T>C]ATGAAAAACAGACAAATTGTTATAAAACCCTGCAAAACGTGACTGTGACTAGGCAAGGTA-3'

ClinVar aggregate classification (germline): Likely pathogenic (1 of 4 stars; one submission).

Submission:

Labcorp Genetics (formerly Invitae), Labcorp
Classification: Likely pathogenic. Last evaluated: 2022-10-24. Review status: criteria provided, single submitter. Criteria: Invitae Variant Classification Sherloc (09022015). Collection method: clinical testing. Allele origin: germline.
Comment: In summary, the currently available evidence indicates that the variant is pathogenic, but additional data are needed to prove that conclusively. Therefore, this variant has been classified as Likely Pathogenic. Algorithms developed to predict the effect of sequence changes on RNA splicing suggest that this variant may disrupt the consensus splice site. This variant has not been reported in the literature in individuals affected with LIFR-related conditions. This variant is not present in population databases (gnomAD no frequency). This sequence change affects an acceptor splice site in intron 12 of the LIFR gene. It is expected to disrupt RNA splicing. Variants that disrupt the donor or acceptor splice site typically lead to a loss of protein function (PMID: 16199547), and loss-of-function variants in LIFR are known to be pathogenic (PMID: 14740318).

Literature cited by the submitters: PubMed 16199547; PubMed 14740318.